The following is an entry in ClinVar:

NM_000138.5(FBN1):c.8148C>T (p.Tyr2716=)

Gene: FBN1 (fibrillin 1; minus strand). Cytogenetic location: 15q21.1.
Variant type: single nucleotide variant.
Coding change: c.8148C>T on transcript NM_000138.5 (MANE Select); coding-DNA position 8148, C replaced by T.
Protein change: p.Tyr2716=; no amino-acid change (tyrosine 2716 retained).
Molecular consequence: synonymous variant.
Genome position (GRCh38, 1-based): chr15:48,412,647, G>A on the plus strand (C>T on the coding strand, the complement: FBN1 is on the minus strand). VCF-style: chr15-48412647-G-A. GRCh37 (hg19) VCF-style: chr15-48704844-G-A.
Identifiers: ClinVar variation 933157 (VCV000933157.13), dbSNP rs112642323, ClinGen allele CA059669.

ClinVar aggregate classification (germline): Likely benign. Review status: criteria provided, multiple submitters, no conflicts (2 of 4 stars). 5 submissions from 5 submitters: Likely benign (5). Last evaluated 2024-12-18.

Conditions:
Familial thoracic aortic aneurysm and aortic dissection (TAAD). Also called: Thoracic aortic aneurysms and dissections. Identifiers: Orphanet 91387, MedGen C4707243, MONDO:0019625.
Marfan syndrome (MFS). Also called: Marfan syndrome, classic; Marfan syndrome type 1; Marfan's syndrome; FBN1-Related Marfan Syndrome; MARFAN SYNDROME, TYPE I. Identifiers: Orphanet 284963, Orphanet 558, MedGen C0024796, MONDO:0007947, OMIM 154700.

Allele frequency attached by ClinVar (database versions not stated): gnomAD below 0.00001 and 0.00001; gnomAD exomes 0.00003 and 0.00004; ExAC 0.00004; ESP Exome Variant Server 0.00008; TOPMed below 0.00001.
gnomAD v4.1: 41 of 1,614,126 alleles (0.0025%); highest among the groups gnomAD compares: South Asian, 0.013%; 1 homozygote.

Submissions (5):

Labcorp Genetics (formerly Invitae), Labcorp
Classification: Likely benign for Marfan syndrome; Familial thoracic aortic aneurysm and aortic dissection. Last evaluated: 2024-12-18. Review status: criteria provided, single submitter. Criteria: Invitae Variant Classification Sherloc (09022015). Collection method: clinical testing. Allele origin: germline.

All of Us Research Program, National Institutes of Health
Classification: Likely benign for Marfan syndrome. Last evaluated: 2023-12-01. Review status: criteria provided, single submitter. Criteria: ACMG Guidelines, 2015. Collection method: clinical testing. Allele origin: germline. Inheritance: Autosomal dominant inheritance. Observed: 2 variant alleles, 2 heterozygotes.
Comment: This study involves interpretation of variants in research participants for the purpose of population health screening. Participant phenotype was not available at the time of variant classification. Additional details can be found in publication PMID: 35346344, PMCID: PMC8962531

Color Diagnostics, LLC DBA Color Health
Classification: Likely benign for Familial thoracic aortic aneurysm and aortic dissection. Last evaluated: 2022-11-06. Review status: criteria provided, single submitter. Criteria: ACMG Guidelines, 2015. Collection method: clinical testing. Allele origin: germline.

Ambry Genetics
Classification: Likely benign for Familial thoracic aortic aneurysm and aortic dissection. Last evaluated: 2022-10-17. Review status: criteria provided, single submitter. Criteria: Ambry Variant Classification Scheme 2023. Collection method: clinical testing. Allele origin: germline.

Women's Health and Genetics/Laboratory Corporation of America, LabCorp
Classification: Likely benign. Last evaluated: 2020-06-22. Review status: criteria provided, single submitter. Criteria: LabCorp Variant Classification Summary - May 2015. Collection method: clinical testing. Allele origin: germline.
Comment: Variant summary: FBN1 c.8148C>T results in a synonymous change. 4/4 computational tools predict no significant impact on normal splicing. However, these predictions have yet to be confirmed by functional studies. The variant allele was found at a frequency of 4e-05 in 251478 control chromosomes. This frequency is not significantly higher than expected for a pathogenic variant in FBN1 causing Aortopathy (4e-05 vs 0.00011), allowing no conclusion about variant significance. To our knowledge, no occurrence of c.8148C>T in individuals affected with Aortopathy and no experimental evidence demonstrating its impact on protein function have been reported. No clinical diagnostic laboratories have submitted clinical-significance assessments for this variant to ClinVar after 2014. Based on the evidence outlined above, the variant was classified as likely benign.